The following is an entry in ClinVar:

NM_000264.5(PTCH1):c.584G>C (p.Arg195Thr)

Gene: PTCH1 (patched 1; minus strand). Cytogenetic location: 9q22.32.
Variant type: single nucleotide variant.
Coding change: c.584G>C on transcript NM_000264.5 (MANE Select); coding-DNA position 584, G replaced by C.
Protein change: p.Arg195Thr; replaces arginine 195 with threonine.
Molecular consequence: missense variant. On other transcripts: non-coding transcript variant (1).
Genome position (GRCh38, 1-based): chr9:95,485,685, C>G on the plus strand (G>C on the coding strand, the complement: PTCH1 is on the minus strand). VCF-style: chr9-95485685-C-G. GRCh37 (hg19) VCF-style: chr9-98247967-C-G.
Other names: c.386G>C, p.Arg129Thr (NM_001083602.3, NM_001354919.2); c.581G>C, p.Arg194Thr (NM_001083603.3); c.131G>C, p.Arg44Thr (NM_001083604.3, NM_001083605.3, NM_001083606.3 and 1 more transcripts); c.584G>C, p.Arg195Thr (NM_001354918.2); short protein forms R129T, R195T, R44T, R194T.
Identifiers: ClinVar variation 453903 (VCV000453903.10), dbSNP rs1554702009, ClinGen allele CA374116546.

ClinVar aggregate classification (germline): Conflicting classifications of pathogenicity. Review status: criteria provided, conflicting classifications (1 of 4 stars). 2 submissions from 2 submitters: Likely pathogenic (1); Uncertain significance (1). Last evaluated 2023-05-20.

Conditions:
Hereditary cancer-predisposing syndrome. Also called: Tumor predisposition; Hereditary Cancer Syndrome; Neoplastic Syndromes, Hereditary; Hereditary neoplastic syndrome. Identifiers: Orphanet 140162, MedGen C0027672, MeSH D009386, MONDO:0015356.
Gorlin syndrome. Also called: Basal cell nevus syndrome; Nevoid Basal Cell Carcinoma Syndrome. Identifiers: Orphanet 377, MedGen C0004779, MONDO:0007187.

Submissions (2):

Ambry Genetics
Classification: Likely pathogenic for Hereditary cancer-predisposing syndrome. Last evaluated: 2023-05-20. Review status: criteria provided, single submitter. Criteria: Ambry Variant Classification Scheme 2023. Collection method: clinical testing. Allele origin: germline.
Comment: The c.584G>C variant (also known as p.R195T), located in coding exon 3 of the PTCH1 gene, results from a G to C substitution at nucleotide position 584. The amino acid change results in arginine to threonine at codon 195, an amino acid with similar properties. However, this change occurs in the last base pair of coding exon 3, which makes it likely to have some effect on normal mRNA splicing. This alteration has been observed in at least one individual with a personal and/or family history that is consistent with PTCH1-related disease (external communication). This variant is considered to be rare based on population cohorts in the Genome Aggregation Database (gnomAD). This nucleotide position is highly conserved in available vertebrate species. In silico splice site analysis predicts that this alteration will weaken the native splice donor site and will result in the creation or strengthening of a novel splice donor site. RNA studies have demonstrated that this alteration results in abnormal splicing in the set of samples tested (Ambry internal data). Based on the majority of available evidence to date, this variant is likely to be pathogenic.

Labcorp Genetics (formerly Invitae), Labcorp
Classification: Uncertain significance for Gorlin syndrome. Last evaluated: 2017-05-28. Review status: criteria provided, single submitter. Criteria: Invitae Variant Classification Sherloc (09022015). Collection method: clinical testing. Allele origin: germline.
Comment: In summary, this variant has uncertain impact on PTCH1 function. The available evidence is currently insufficient to determine its role in disease. Therefore, it has been classified as a Variant of Uncertain Significance. A different variant affecting this nucleotide (c.584G>A) has been determined to be pathogenic (PMID: 22434048, 16203740). This suggests that this nucleotide is important for normal RNA splicing, and that other variants at this position may also be pathogenic. Algorithms developed to predict the effect of sequence changes on RNA splicing suggest that this variant may disrupt the consensus splice site, but this prediction has not been confirmed by published transcriptional studies. Algorithms developed to predict the effect of missense changes on protein structure and function (SIFT, PolyPhen-2, Align-GVGD) all suggest that this variant is likely to be tolerated, but these predictions have not been confirmed by published functional studies and their clinical significance is uncertain. This variant has not been reported in the literature in individuals with a PTCH1-related disease. This variant is not present in population databases (ExAC no frequency). This sequence change replaces arginine with threonine at codon 195 of the PTCH1 protein (p.Arg195Thr). The arginine residue is moderately conserved and there is a moderate physicochemical difference between arginine and threonine. This variant also falls at the last nucleotide of exon 3 of the PTCH1 coding sequence, which is part of the consensus splice site for this exon. Nucleotide substitutions within the consensus splice site are relatively common causes of aberrant splicing (PMID: 17576681, 9536098).

Literature cited by the submitters: PubMed 22434048 (cited by Labcorp Genetics (formerly Invitae), Labcorp); PubMed 16203740 (cited by Labcorp Genetics (formerly Invitae), Labcorp); PubMed 17576681 (cited by Labcorp Genetics (formerly Invitae), Labcorp); PubMed 9536098 (cited by Labcorp Genetics (formerly Invitae), Labcorp).